The following is an entry in ClinVar:

NM_004260.4(RECQL4):c.136C>T (p.Arg46Cys)

Genes: RECQL4 (RecQ like helicase 4; minus strand), LOC130001411 (ATAC-STARR-seq lymphoblastoid silent region 19699; plus strand). Cytogenetic location: 8q24.3.
Variant type: single nucleotide variant.
Coding change: c.136C>T on transcript NM_004260.4 (MANE Select); coding-DNA position 136, C replaced by T.
Protein change: p.Arg46Cys; replaces arginine 46 with cysteine.
Molecular consequence: missense variant.
Genome position (GRCh38, 1-based): chr8:144,517,491, G>A on the plus strand (C>T on the coding strand, the complement: RECQL4 is on the minus strand). VCF-style: chr8-144517491-G-A. GRCh37 (hg19) VCF-style: chr8-145742875-G-A.
Other names: short protein forms R46C.
Identifiers: ClinVar variation 641053 (VCV000641053.9), dbSNP rs1268307700, ClinGen allele CA372692743.

ClinVar aggregate classification (germline): Uncertain significance. Review status: criteria provided, multiple submitters, no conflicts (2 of 4 stars). 2 submissions from 2 submitters: Uncertain significance (2). Last evaluated 2025-02-24.

Conditions:
Inborn genetic diseases. Identifiers: MedGen C0950123, MeSH D030342.
Baller-Gerold syndrome (BGS). Also called: CRANIOSYNOSTOSIS WITH RADIAL DEFECTS. Identifiers: Orphanet 1225, MedGen C0265308, MONDO:0009039, OMIM 218600.

gnomAD v4.1: 1 of 1,596,654 alleles (0.000063%); highest among the groups gnomAD compares: Non-Finnish European, 0.000085%; no homozygotes.

Submissions (2):

Ambry Genetics
Classification: Uncertain significance for Inborn genetic diseases. Last evaluated: 2025-02-24. Review status: criteria provided, single submitter. Criteria: Ambry Variant Classification Scheme 2023. Collection method: clinical testing. Allele origin: germline.
Comment: The p.R46C variant (also known as c.136C>T), located in coding exon 3 of the RECQL4 gene, results from a C to T substitution at nucleotide position 136. The arginine at codon 46 is replaced by cysteine, an amino acid with highly dissimilar properties. This amino acid position is conserved. In addition, the in silico prediction for this alteration is inconclusive. Based on the available evidence, the clinical significance of this variant remains unclear.

Labcorp Genetics (formerly Invitae), Labcorp
Classification: Uncertain significance for Baller-Gerold syndrome. Last evaluated: 2022-01-03. Review status: criteria provided, single submitter. Criteria: Invitae Variant Classification Sherloc (09022015). Collection method: clinical testing. Allele origin: germline.
Comment: In summary, the available evidence is currently insufficient to determine the role of this variant in disease. Therefore, it has been classified as a Variant of Uncertain Significance. ClinVar contains an entry for this variant (Variation ID: 641053). This variant has not been reported in the literature in individuals affected with RECQL4-related conditions. This variant is not present in population databases (gnomAD no frequency). This sequence change replaces arginine, which is basic and polar, with cysteine, which is neutral and slightly polar, at codon 46 of the RECQL4 protein (p.Arg46Cys).